The following is an entry in ClinVar:

NM_001164277.2(SLC37A4):c.1084T>G (p.Cys362Gly)

Gene: SLC37A4 (solute carrier family 37 member 4; minus strand). Cytogenetic location: 11q23.3.
Variant type: single nucleotide variant.
Coding change: c.1084T>G on transcript NM_001164277.2 (MANE Select); coding-DNA position 1084, T replaced by G.
Protein change: p.Cys362Gly; replaces cysteine 362 with glycine.
Molecular consequence: missense variant.
Genome position (GRCh38, 1-based): chr11:119,025,230, A>C on the plus strand (T>G on the coding strand, the complement: SLC37A4 is on the minus strand). VCF-style: chr11-119025230-A-C. GRCh37 (hg19) VCF-style: chr11-118895940-A-C.
Other names: c.1150T>G, p.Cys384Gly (NM_001164278.2); c.865T>G, p.Cys289Gly (NM_001164279.2); c.1084T>G, p.Cys362Gly (NM_001164280.2, NM_001467.6); short protein forms C362G, C289G, C384G.
Identifiers: ClinVar variation 1369520 (VCV001369520.6), dbSNP rs958173659, ClinGen allele CA229596090.

ClinVar aggregate classification (germline): Uncertain significance (1 of 4 stars; one submission).

Conditions:
Glucose-6-phosphate transport defect (GSD1B). Also called: Glycogen Storage Disease Type Ib; GSD Ib. Identifiers: Orphanet 364, Orphanet 79259, MedGen C0268146, MONDO:0009288, OMIM 232220.

Allele frequency attached by ClinVar (database versions not stated): gnomAD exomes below 0.00001; gnomAD 0.00001; TOPMed 0.00001.

Submission:

Labcorp Genetics (formerly Invitae), Labcorp
Classification: Uncertain significance for Glucose-6-phosphate transport defect. Last evaluated: 2020-11-26. Review status: criteria provided, single submitter. Criteria: Invitae Variant Classification Sherloc (09022015). Collection method: clinical testing. Allele origin: germline.
Comment: This sequence change replaces cysteine with glycine at codon 362 of the SLC37A4 protein (p.Cys362Gly). The cysteine residue is highly conserved and there is a large physicochemical difference between cysteine and glycine. This variant is not present in population databases (ExAC no frequency). In summary, the available evidence is currently insufficient to determine the role of this variant in disease. Therefore, it has been classified as a Variant of Uncertain Significance. Experimental studies and prediction algorithms are not available or were not evaluated, and the functional significance of this variant is currently unknown. This variant has not been reported in the literature in individuals with SLC37A4-related conditions.